The following is an entry in ClinVar:

NM_000501.4(ELN):c.376+5G>A

Gene: ELN (elastin; plus strand). Cytogenetic location: 7q11.23.
Variant type: single nucleotide variant.
Coding change: c.376+5G>A on transcript NM_000501.4 (MANE Select); 5 bases into the intron after coding-DNA position 376, G replaced by A.
Molecular consequence: intron variant.
Genome position (GRCh38, 1-based): chr7:74,043,039, G>A. VCF-style: chr7-74043039-G-A. GRCh37 (hg19) VCF-style: chr7-73457369-G-A.
Other names: c.376+5G>A (NM_001081754.3, NM_001081753.3, NM_001278939.2 and 4 more transcripts); c.340+5G>A (NM_001278913.2); c.346+5G>A (NM_001278914.2, NM_001278917.2, NM_001081752.3 and 1 more transcripts).
Identifiers: ClinVar variation 513942 (VCV000513942.48), dbSNP rs782770862, ClinGen allele CA4292457.

ClinVar aggregate classification (germline): Conflicting classifications of pathogenicity. Review status: criteria provided, conflicting classifications (1 of 4 stars). 3 submissions from 3 submitters: Uncertain significance (2); Likely benign (1). Last evaluated 2025-06-22.

Conditions:
Supravalvar aortic stenosis (SVAS). Also called: Supravalvar aortic stenosis, Eisenberg type. Identifiers: Orphanet 3193, MedGen C0003499, MONDO:0008504, OMIM 185500, HP:0004381.

Allele frequency attached by ClinVar (database versions not stated): TOPMed 0.00005.
gnomAD v4.1: 148 of 1,614,184 alleles (0.0092%); highest among the groups gnomAD compares: Non-Finnish European, 0.012%; no homozygotes.

Submissions (4):

Labcorp Genetics (formerly Invitae), Labcorp
Classification: Uncertain significance for Supravalvar aortic stenosis. Last evaluated: 2025-06-22. Review status: criteria provided, single submitter. Criteria: Invitae Variant Classification Sherloc (09022015). Collection method: clinical testing. Allele origin: germline.
Comment: This sequence change falls in intron 7 of the ELN gene. It does not directly change the encoded amino acid sequence of the ELN protein. It affects a nucleotide within the consensus splice site. This variant is present in population databases (rs782770862, gnomAD 0.01%). This variant has not been reported in the literature in individuals affected with ELN-related conditions. ClinVar contains an entry for this variant (Variation ID: 513942). Variants that disrupt the consensus splice site are a relatively common cause of aberrant splicing (PMID: 17576681, 9536098). Algorithms developed to predict the effect of sequence changes on RNA splicing suggest that this variant may disrupt the consensus splice site. In summary, the available evidence is currently insufficient to determine the role of this variant in disease. Therefore, it has been classified as a Variant of Uncertain Significance.

Blueprint Genetics
Classification: Uncertain significance. Last evaluated: 2024-11-13. Review status: criteria provided, single submitter. Criteria: ACMG Guidelines, 2015. Collection method: clinical testing. Allele origin: germline.

GeneDx
Classification: Likely benign. Last evaluated: 2019-01-14. Review status: criteria provided, single submitter. Criteria: GeneDx Variant Classification Process June 2021. Collection method: clinical testing. Allele origin: germline. Affected: yes.

Dr. Peter K. Rogan Lab, Western University
No classification provided (evidence only). Condition: Lung cancer. Review status: no classification provided. Collection method: in vitro. Allele origin: not applicable. Functional consequence: skipped exon, retained intron. Not counted in ClinVar's aggregate classification.

Literature cited by the submitters: PubMed 17576681 (cited by Labcorp Genetics (formerly Invitae), Labcorp); PubMed 9536098 (cited by Labcorp Genetics (formerly Invitae), Labcorp).